The following is an entry in ClinVar:

NM_057175.5(NAA15):c.1148A>C (p.His383Pro)

Gene: NAA15 (N-alpha-acetyltransferase 15, NatA auxiliary subunit; plus strand). Cytogenetic location: 4q31.1.
Variant type: single nucleotide variant.
Coding change: c.1148A>C on transcript NM_057175.5 (MANE Select); coding-DNA position 1148, A replaced by C.
Protein change: p.His383Pro; replaces histidine 383 with proline.
Molecular consequence: missense variant.
Genome position (GRCh38, 1-based): chr4:139,357,446, A>C. VCF-style: chr4-139357446-A-C. GRCh37 (hg19) VCF-style: chr4-140278600-A-C.
Other names: c.1148A>C, p.His383Pro (NM_001410842.1); short protein forms H383P.
Identifiers: ClinVar variation 3364253 (VCV003364253.1).

ClinVar aggregate classification (germline): Uncertain significance (1 of 4 stars; one submission).

Submission:

GeneDx
Classification: Uncertain significance. Last evaluated: 2023-11-14. Review status: criteria provided, single submitter. Criteria: GeneDx Variant Classification Process June 2021. Collection method: clinical testing. Allele origin: germline. Affected: yes.
Comment: Not observed at significant frequency in large population cohorts (gnomAD); In silico analysis supports that this missense variant has a deleterious effect on protein structure/function; Has not been previously published as pathogenic or benign to our knowledge